The following is an entry in ClinVar:

ClinVar aggregate classification (germline): Conflicting classifications of pathogenicity. Review status: criteria provided, conflicting classifications (1 of 4 stars). 6 submissions from 6 submitters: Likely pathogenic (1); Uncertain significance (4); Likely benign (1). Last evaluated 2025-03-14.

Conditions:
CYP21A2-related disorder. Also called: CYP21A2-related condition.
21-Hydroxylase-Deficient Congenital Adrenal Hyperplasia. Also called: ADRENAL HYPERPLASIA, CONGENITAL, DUE TO 21-HYDROXYLASE DEFICIENCY; ADRENAL HYPERPLASIA III. Identifiers: MedGen C2936858, OMIM 201910.

Allele frequency attached by ClinVar (database versions not stated): gnomAD 0.00075; ExAC 0.00111; gnomAD exomes 0.00214; 1000 Genomes Project 30x 0.00656.

Submissions (6):

PreventionGenetics, part of Exact Sciences
Classification: Likely pathogenic for CYP21A2-related condition. Last evaluated: 2025-03-14. Review status: criteria provided, single submitter. Criteria: ACMG Guidelines, 2015. Collection method: clinical testing. Allele origin: germline.
Comment: The CYP21A2 c.1306C>T variant is predicted to result in the amino acid substitution p.Arg436Cys. This variant was reported in the compound heterozygous state with a severe truncating pathogenic variant in individuals with non-classic congenital adrenal hyperplasia (CAH) (also known as R435C; Deneux et al. 2001. PubMed ID: 11232002; Xia et al. 2022. PubMed ID: 35882282). This variant was shown to result in a residual activity as approximately 7% of wild-type (Krone et al. 2013. PubMed ID: 23337727). This variant is predicted to affect salt-bridge formation by a structure-phenotype correlation study and classified into the group of variants associated with non-classic CAH (Haider et al. 2013. PubMed ID: 23359706). This variant is reported in 2.5% of alleles in individuals of East Asian descent in gnomAD, but without homozygotes. This variant falls within a highly paralogous region. Allele frequency data should be interpreted with caution. This variant is interpreted as likely pathogenic.

Blueprint Genetics
Classification: Uncertain significance. Last evaluated: 2024-11-20. Review status: criteria provided, single submitter. Criteria: ACMG Guidelines, 2015. Collection method: clinical testing. Allele origin: germline.

CeGaT Center for Human Genetics Tuebingen
Classification: Likely benign. Last evaluated: 2023-12-01. Review status: criteria provided, single submitter. Criteria: CeGaT Center For Human Genetics Tuebingen Variant Classification Criteria Version 2. Collection method: clinical testing. Allele origin: germline. Affected: yes. Observed: 1 variant allele.
Comment: CYP21A2: PP2, PP3, BS1

Fulgent Genetics
Classification: Uncertain significance for 21-Hydroxylase-Deficient Congenital Adrenal Hyperplasia. Last evaluated: 2022-03-16. Review status: criteria provided, single submitter. Criteria: ACMG Guidelines, 2015. Collection method: clinical testing. Allele origin: unknown.

Mendelics
Classification: Uncertain significance for 21-Hydroxylase-Deficient Congenital Adrenal Hyperplasia. Last evaluated: 2019-05-28. Review status: criteria provided, single submitter. Criteria: Mendelics Assertion Criteria 2017. Collection method: clinical testing. Allele origin: unknown.

Eurofins Ntd Llc (ga)
Classification: Uncertain significance. Last evaluated: 2017-02-14. Review status: criteria provided, single submitter. Criteria: EGL Classification Definitions 2015. Collection method: clinical testing. Allele origin: germline. Observed: 1 variant allele.

Literature cited by the submitters: PubMed 11232002 (cited by Eurofins Ntd Llc (ga)); PubMed 23337727 (cited by Eurofins Ntd Llc (ga)).

NM_000500.9(CYP21A2):c.1306C>T (p.Arg436Cys)

Genes: CYP21A2 (cytochrome P450 family 21 subfamily A member 2; plus strand), LOC106780800 (CYP21A2 recombination region; plus strand). Cytogenetic location: 6p21.33.
Variant type: single nucleotide variant.
Coding change: c.1306C>T on transcript NM_000500.9 (MANE Select); coding-DNA position 1306, C replaced by T.
Protein change: p.Arg436Cys; replaces arginine 436 with cysteine.
Molecular consequence: missense variant.
Genome position (GRCh38, 1-based): chr6:32,040,952, C>T. VCF-style: chr6-32040952-C-T. GRCh37 (hg19) VCF-style: chr6-32008729-C-T.
Other names: c.1216C>T, p.Arg406Cys (NM_001128590.4); c.901C>T, p.Arg301Cys (NM_001368143.2, NM_001368144.2); c.1306C>T (NM_000500.7); short protein forms R436C, R406C, R301C.
Identifiers: ClinVar variation 193595 (VCV000193595.31), dbSNP rs767333157, ClinGen allele CA239136.